The following is an entry in ClinVar:

NM_004995.4(MMP14):c.1354A>G (p.Asn452Asp)

Gene: MMP14 (matrix metallopeptidase 14; plus strand). Cytogenetic location: 14q11.2.
Variant type: single nucleotide variant.
Coding change: c.1354A>G on transcript NM_004995.4 (MANE Select); coding-DNA position 1354, A replaced by G.
Protein change: p.Asn452Asp; replaces asparagine 452 with aspartic acid.
Molecular consequence: missense variant.
Genome position (GRCh38, 1-based): chr14:22,845,303, A>G. VCF-style: chr14-22845303-A-G. GRCh37 (hg19) VCF-style: chr14-23314512-A-G.
Other names: c.1354A>G (NM_004995.2); short protein forms N452D.
Identifiers: ClinVar variation 1498211 (VCV001498211.7), dbSNP rs778793506, ClinGen allele CA7105456.

ClinVar aggregate classification (germline): Uncertain significance. Review status: criteria provided, multiple submitters, no conflicts (2 of 4 stars). 2 submissions from 2 submitters: Uncertain significance (2). Last evaluated 2025-01-08.

Conditions:
Inborn genetic diseases. Identifiers: MedGen C0950123, MeSH D030342.

Allele frequency attached by ClinVar (database versions not stated): gnomAD exomes below 0.00001; ExAC 0.00001; gnomAD 0.00001; TOPMed 0.00003.
gnomAD v4.1: 2 of 1,613,438 alleles (0.00012%); highest among the groups gnomAD compares: African/African-American, 0.0027%; no homozygotes.

Submissions (2):

Ambry Genetics
Classification: Uncertain significance for Inborn genetic diseases. Last evaluated: 2025-01-08. Review status: criteria provided, single submitter. Criteria: Ambry Variant Classification Scheme 2023. Collection method: clinical testing. Allele origin: germline.

Labcorp Genetics (formerly Invitae), Labcorp
Classification: Uncertain significance. Last evaluated: 2022-08-15. Review status: criteria provided, single submitter. Criteria: Invitae Variant Classification Sherloc (09022015). Collection method: clinical testing. Allele origin: germline.
Comment: This sequence change replaces asparagine, which is neutral and polar, with aspartic acid, which is acidic and polar, at codon 452 of the MMP14 protein (p.Asn452Asp). In summary, the available evidence is currently insufficient to determine the role of this variant in disease. Therefore, it has been classified as a Variant of Uncertain Significance. Algorithms developed to predict the effect of missense changes on protein structure and function output the following: SIFT: "Tolerated"; PolyPhen-2: "Benign"; Align-GVGD: "Class C0". The aspartic acid amino acid residue is found in multiple mammalian species, which suggests that this missense change does not adversely affect protein function. ClinVar contains an entry for this variant (Variation ID: 1498211). This variant has not been reported in the literature in individuals affected with MMP14-related conditions. This variant is present in population databases (rs778793506, gnomAD 0.008%).